The following is an entry in ClinVar:

ClinVar aggregate classification (germline): Uncertain significance (1 of 4 stars; one submission).

Conditions:
Spastic paraplegia. Identifiers: MedGen C0037772, HP:0001258.

Submission:

Labcorp Genetics (formerly Invitae), Labcorp
Classification: Uncertain significance for Spastic paraplegia. Last evaluated: 2023-07-25. Review status: criteria provided, single submitter. Criteria: Invitae Variant Classification Sherloc (09022015). Collection method: clinical testing. Allele origin: germline.
Comment: In summary, the available evidence is currently insufficient to determine the role of this variant in disease. Therefore, it has been classified as a Variant of Uncertain Significance. Advanced modeling of protein sequence and biophysical properties (such as structural, functional, and spatial information, amino acid conservation, physicochemical variation, residue mobility, and thermodynamic stability) has been performed at Invitae for this missense variant, however the output from this modeling did not meet the statistical confidence thresholds required to predict the impact of this variant on GJC2 protein function. This variant has not been reported in the literature in individuals affected with GJC2-related conditions. This variant is not present in population databases (gnomAD no frequency). This sequence change replaces proline, which is neutral and non-polar, with arginine, which is basic and polar, at codon 261 of the GJC2 protein (p.Pro261Arg).

NM_020435.4(GJC2):c.782C>G (p.Pro261Arg)

Gene: GJC2 (gap junction protein gamma 2; plus strand). Cytogenetic location: 1q42.13.
Variant type: single nucleotide variant.
Coding change: c.782C>G on transcript NM_020435.4 (MANE Select); coding-DNA position 782, C replaced by G.
Protein change: p.Pro261Arg; replaces proline 261 with arginine.
Molecular consequence: missense variant.
Genome position (GRCh38, 1-based): chr1:228,158,540, C>G. VCF-style: chr1-228158540-C-G. GRCh37 (hg19) VCF-style: chr1-228346241-C-G.
Other names: short protein forms P261R.
Identifiers: ClinVar variation 2746836 (VCV002746836.3), dbSNP rs2527877135, ClinGen allele CA345099449.
Genomic context (GRCh38, chr1:228,158,540, plus strand): 5'-CGTTCTTTCCCTGCAGCCGCCAGCCCTGCCCGCACGTGGTGGACTGCTTCGTGTCGCGCC[C>G]TACTGAAAAGACGGTCTTCCTGCTGGTTATGTACGTGGTCAGCTGCCTGTGCCTGCTGCT-3'
Protein context (NP_065168.2, residues 251-271): PHVVDCFVSR[Pro261Arg]TEKTVFLLVM